The following is an entry in ClinVar:

NM_000551.4(VHL):c.211C>T (p.Pro71Ser)

Gene: VHL (von Hippel-Lindau tumor suppressor; plus strand). Cytogenetic location: 3p25.3.
Variant type: single nucleotide variant.
Coding change: c.211C>T on transcript NM_000551.4 (MANE Select); coding-DNA position 211, C replaced by T.
Protein change: p.Pro71Ser; replaces proline 71 with serine.
Molecular consequence: missense variant.
Genome position (GRCh38, 1-based): chr3:10,142,058, C>T. VCF-style: chr3-10142058-C-T. GRCh37 (hg19) VCF-style: chr3-10183742-C-T.
Other names: c.211C>T (NM_000551.3); c.211C>T, p.Pro71Ser (NM_001354723.2, NM_198156.3); short protein forms P71S.
Identifiers: ClinVar variation 1020108 (VCV001020108.11), dbSNP rs1696129801, ClinGen allele CA351749014.

ClinVar aggregate classification (germline): Uncertain significance. Review status: criteria provided, multiple submitters, no conflicts (2 of 4 stars). 3 submissions from 3 submitters: Uncertain significance (3). Last evaluated 2026-02-12.

Conditions:
Chuvash polycythemia. Also called: POLYCYTHEMIA, VHL-DEPENDENT. Identifiers: Orphanet 238557, MedGen C1837915, MONDO:0009892, OMIM 263400.
Von Hippel-Lindau syndrome (VHLS). Also called: VHL syndrome; Von Hippel-Lindau; von Hippel–Lindau syndrome. Identifiers: Orphanet 892, MedGen C0019562, MONDO:0008667, OMIM 193300. Disease mechanism: loss of function.
Hereditary cancer-predisposing syndrome. Also called: Hereditary Cancer Syndrome; Neoplastic Syndromes, Hereditary; Tumor predisposition; Hereditary neoplastic syndrome. Identifiers: Orphanet 140162, MedGen C0027672, MeSH D009386, MONDO:0015356.

Submissions (3):

Ambry Genetics
Classification: Uncertain significance for Hereditary cancer-predisposing syndrome. Last evaluated: 2026-02-12. Review status: criteria provided, single submitter. Criteria: Ambry Variant Classification Scheme 2023. Collection method: clinical testing. Allele origin: germline.
Comment: The p.P71S variant (also known as c.211C>T), located in coding exon 1 of the VHL gene, results from a C to T substitution at nucleotide position 211. The proline at codon 71 is replaced by serine, an amino acid with similar properties. This amino acid position is highly conserved in available vertebrate species. In addition, the in silico prediction for this alteration is inconclusive. Based on the available evidence, the clinical significance of this variant remains unclear.

Color Diagnostics, LLC DBA Color Health
Classification: Uncertain significance for Von Hippel-Lindau syndrome. Last evaluated: 2025-08-05. Review status: criteria provided, single submitter. Criteria: ACMG Guidelines, 2015. Collection method: clinical testing. Allele origin: germline.
Comment: This missense variant replaces proline with serine at codon 71 of the VHL protein. Computational prediction is inconclusive regarding the impact of this variant on protein structure and function. To our knowledge, functional studies have not been reported for this variant. This variant has not been reported in individuals affected with VHL-related disorders in the literature. This variant has not been identified in the general population by the Genome Aggregation Database (gnomAD). The available evidence is insufficient to determine the role of this variant in disease conclusively. Therefore, this variant is classified as a Variant of Uncertain Significance.

Labcorp Genetics (formerly Invitae), Labcorp
Classification: Uncertain significance for Von Hippel-Lindau syndrome; Chuvash polycythemia. Last evaluated: 2024-03-27. Review status: criteria provided, single submitter. Criteria: Invitae Variant Classification Sherloc (09022015). Collection method: clinical testing. Allele origin: germline.
Comment: This sequence change replaces proline, which is neutral and non-polar, with serine, which is neutral and polar, at codon 71 of the VHL protein (p.Pro71Ser). This variant is not present in population databases (gnomAD no frequency). This variant has not been reported in the literature in individuals affected with VHL-related conditions. ClinVar contains an entry for this variant (Variation ID: 1020108). Advanced modeling of protein sequence and biophysical properties (such as structural, functional, and spatial information, amino acid conservation, physicochemical variation, residue mobility, and thermodynamic stability) performed at Invitae indicates that this missense variant is expected to disrupt VHL protein function with a positive predictive value of 95%. In summary, the available evidence is currently insufficient to determine the role of this variant in disease. Therefore, it has been classified as a Variant of Uncertain Significance.